The following is an entry in ClinVar:

ClinVar aggregate classification (germline): Conflicting classifications of pathogenicity. Review status: criteria provided, conflicting classifications (1 of 4 stars). 3 submissions from 3 submitters: Uncertain significance (2); Likely benign (1). Last evaluated 2023-03-23.

Conditions:
Hereditary breast ovarian cancer syndrome. Also called: Hereditary breast and ovarian cancer syndrome; Hereditary breast and ovarian cancer; Hereditary breast and ovarian cancer syndrome (HBOC); Breast and ovarian cancer; Hereditary breast and/or ovarian cancer syndrome; BRCA1- and BRCA2-Associated Hereditary Breast and Ovarian Cancer. Identifiers: Orphanet 145, MedGen C0677776, MeSH D061325, MONDO:0003582. Disease mechanism: loss of function.
Hereditary cancer-predisposing syndrome. Also called: Neoplastic Syndromes, Hereditary; Tumor predisposition; Hereditary neoplastic syndrome; Hereditary Cancer Syndrome. Identifiers: Orphanet 140162, MedGen C0027672, MeSH D009386, MONDO:0015356.

Submissions (3):

University of Washington Department of Laboratory Medicine, University of Washington
Classification: Likely benign for Hereditary cancer-predisposing syndrome. Last evaluated: 2023-03-23. Review status: criteria provided, single submitter. Criteria: Dines et al. (Genet Med. 2020). Collection method: curation. Allele origin: germline.
Comment: Missense variant in a coldspot region where missense variants are very unlikely to be pathogenic (PMID:31911673).

BRCA1 coldspot (exon 11 using historical exon numbering). Reclassification based on statistical prior probability

Labcorp Genetics (formerly Invitae), Labcorp
Classification: Uncertain significance for Hereditary breast ovarian cancer syndrome. Last evaluated: 2021-10-03. Review status: criteria provided, single submitter. Criteria: Invitae Variant Classification Sherloc (09022015). Collection method: clinical testing. Allele origin: germline.
Comment: This variant has not been reported in the literature in individuals affected with BRCA1-related conditions. This variant is not present in population databases (ExAC no frequency). This sequence change replaces alanine with threonine at codon 1175 of the BRCA1 protein (p.Ala1175Thr). The alanine residue is highly conserved and there is a small physicochemical difference between alanine and threonine. Algorithms developed to predict the effect of missense changes on protein structure and function are either unavailable or do not agree on the potential impact of this missense change (SIFT: "Tolerated"; PolyPhen-2: "Possibly Damaging"; Align-GVGD: "Class C0"). In summary, the available evidence is currently insufficient to determine the role of this variant in disease. Therefore, it has been classified as a Variant of Uncertain Significance.

Ambry Genetics
Classification: Uncertain significance for Hereditary cancer-predisposing syndrome. Last evaluated: 2019-05-22. Review status: criteria provided, single submitter. Criteria: Ambry Variant Classification Scheme 2023. Collection method: clinical testing. Allele origin: germline.

NM_007294.4(BRCA1):c.3523G>A (p.Ala1175Thr)

Genes: BRCA1 (BRCA1 DNA repair associated; minus strand), LOC126862571 (BRD4-independent group 4 enhancer GRCh37_chr17:41243136-41244335; plus strand). Cytogenetic location: 17q21.31.
Variant type: single nucleotide variant.
Coding change: c.3523G>A on transcript NM_007294.4 (MANE Select); coding-DNA position 3523, G replaced by A.
Protein change: p.Ala1175Thr; replaces alanine 1175 with threonine.
Molecular consequence: missense variant. On other transcripts: intron variant (135).
Genome position (GRCh38, 1-based): chr17:43,092,008, C>T on the plus strand (G>A on the coding strand, the complement: BRCA1 is on the minus strand). VCF-style: chr17-43092008-C-T. GRCh37 (hg19) VCF-style: chr17-41244025-C-T.
Other names: c.587-976G>A (NM_001408474.1, NM_001408476.1); c.455-976G>A (NM_001408502.1); c.578-976G>A (NM_001408489.1, NM_001408479.1, NM_001408481.1 and 9 more transcripts); c.3382G>A, p.Ala1128Thr (NM_001407695.1, NM_001407692.1, NM_001407694.1 and 29 more transcripts); c.575-976G>A (NM_001408493.1, NM_001408490.1, NM_001408491.1); c.3397G>A, p.Ala1133Thr (NM_001407691.1, NM_001407649.1, NM_001407670.1 and 11 more transcripts); c.710-976G>A (NM_001408409.1, NM_001408412.1, NM_001408414.1 and 2 more transcripts); c.3310G>A, p.Ala1104Thr (NM_001407571.1, NM_001407853.1, NM_001407894.1 and 9 more transcripts); and 41 more; short protein forms A1128T, A1175T, A1064T, A1086T, A1087T, A1047T, A1133T, A1148T.
Identifiers: ClinVar variation 823882 (VCV000823882.15), dbSNP rs1597863144, ClinGen allele CA10594925.
Genomic context (GRCh38, chr17:43,092,008, plus strand): 5'-GGGTGAAAGGGCTAGGACTCCTGCTAAGCTCTCCTTTCTGGACGCTTTTGCTAAAAACAG[C>T]AGAACTTTCCTTAATGTCATTTTCAGCAAAACTAGTATCTTCCTTTATTTCACCATCATC-3'
Protein context (NP_009225.1, residues 1165-1185): FAENDIKESS[Ala1175Thr]VFSKSVQKGE